The following is an entry in ClinVar:

NM_000093.5(COL5A1):c.1130C>A (p.Pro377His)

Gene: COL5A1 (collagen type V alpha 1 chain; plus strand). Cytogenetic location: 9q34.3.
Variant type: single nucleotide variant.
Coding change: c.1130C>A on transcript NM_000093.5 (MANE Select); coding-DNA position 1130, C replaced by A.
Protein change: p.Pro377His; replaces proline 377 with histidine.
Molecular consequence: missense variant.
Genome position (GRCh38, 1-based): chr9:134,730,441, C>A. VCF-style: chr9-134730441-C-A. GRCh37 (hg19) VCF-style: chr9-137622287-C-A.
Other names: c.1130C>A, p.Pro377His (NM_001278074.1); short protein forms P377H.
Identifiers: ClinVar variation 933340 (VCV000933340.11), dbSNP rs868555520, ClinGen allele CA375450104.

ClinVar aggregate classification (germline): Uncertain significance (1 of 4 stars; one submission).

Conditions:
Ehlers-Danlos syndrome, classic type, 1 (EDSCL1). Also called: Ehlers-Danlos syndrome, type 1; EHLERS-DANLOS SYNDROME, GRAVIS TYPE; EHLERS-DANLOS SYNDROME, SEVERE CLASSIC TYPE; EDS I; Ehlers-Danlos Syndrome, Classic Type, COL5A1-Related. Identifiers: MedGen C0268335, MONDO:0019567, OMIM 130000.

Allele frequency attached by ClinVar (database versions not stated): TOPMed 0.00001; gnomAD exomes below 0.00001.
gnomAD v4.1: 1 of 1,614,176 alleles (0.000062%); highest among the groups gnomAD compares: Non-Finnish European, 0.000085%; no homozygotes.

Submission:

Labcorp Genetics (formerly Invitae), Labcorp
Classification: Uncertain significance for Ehlers-Danlos syndrome, classic type, 1. Last evaluated: 2022-09-12. Review status: criteria provided, single submitter. Criteria: Invitae Variant Classification Sherloc (09022015). Collection method: clinical testing. Allele origin: germline.
Comment: This sequence change replaces proline, which is neutral and non-polar, with histidine, which is basic and polar, at codon 377 of the COL5A1 protein (p.Pro377His). This variant is not present in population databases (gnomAD no frequency). This variant has not been reported in the literature in individuals affected with COL5A1-related conditions. ClinVar contains an entry for this variant (Variation ID: 933340). Advanced modeling of protein sequence and biophysical properties (such as structural, functional, and spatial information, amino acid conservation, physicochemical variation, residue mobility, and thermodynamic stability) performed at Invitae indicates that this missense variant is not expected to disrupt COL5A1 protein function. In summary, the available evidence is currently insufficient to determine the role of this variant in disease. Therefore, it has been classified as a Variant of Uncertain Significance.